The following is an entry in ClinVar:

NM_020376.4(PNPLA2):c.1181C>T (p.Pro394Leu)

Gene: PNPLA2 (patatin like domain 2, triacylglycerol lipase; plus strand). Cytogenetic location: 11p15.5.
Variant type: single nucleotide variant.
Coding change: c.1181C>T on transcript NM_020376.4 (MANE Select); coding-DNA position 1181, C replaced by T.
Protein change: p.Pro394Leu; replaces proline 394 with leucine.
Molecular consequence: missense variant.
Genome position (GRCh38, 1-based): chr11:824,528, C>T. VCF-style: chr11-824528-C-T. GRCh37 (hg19) VCF-style: chr11-824528-C-T.
Other names: short protein forms P394L.
Identifiers: ClinVar variation 2193286 (VCV002193286.4), dbSNP rs373114735, ClinGen allele CA5791332.

ClinVar aggregate classification (germline): Uncertain significance (1 of 4 stars; one submission).

Conditions:
Neutral lipid storage myopathy (NLSDM). Also called: NEUTRAL LIPID STORAGE DISEASE WITHOUT ICHTHYOSIS. Identifiers: Orphanet 98908, MedGen C1853136, MONDO:0012545, OMIM 610717.

Submission:

Labcorp Genetics (formerly Invitae), Labcorp
Classification: Uncertain significance for Neutral lipid storage myopathy. Last evaluated: 2022-09-27. Review status: criteria provided, single submitter. Criteria: Invitae Variant Classification Sherloc (09022015). Collection method: clinical testing. Allele origin: germline.
Comment: This variant is not present in population databases (gnomAD no frequency). This sequence change replaces proline, which is neutral and non-polar, with leucine, which is neutral and non-polar, at codon 394 of the PNPLA2 protein (p.Pro394Leu). This variant has not been reported in the literature in individuals affected with PNPLA2-related conditions. In summary, the available evidence is currently insufficient to determine the role of this variant in disease. Therefore, it has been classified as a Variant of Uncertain Significance. Algorithms developed to predict the effect of missense changes on protein structure and function (SIFT, PolyPhen-2, Align-GVGD) all suggest that this variant is likely to be tolerated.